The following is an entry in ClinVar:

ClinVar aggregate classification (germline): Uncertain significance. Review status: criteria provided, multiple submitters, no conflicts (2 of 4 stars). 2 submissions from 2 submitters: Uncertain significance (2). Last evaluated 2022-07-01.

Allele frequency attached by ClinVar (database versions not stated): TOPMed 0.00003; gnomAD exomes 0.00004; ExAC 0.00005; gnomAD 0.00006; ESP Exome Variant Server 0.00008.
gnomAD v4.1: 62 of 1,609,368 alleles (0.0039%); highest among the groups gnomAD compares: Middle Eastern, 0.033%; 1 homozygote.

Submissions (2):

Labcorp Genetics (formerly Invitae), Labcorp
Classification: Uncertain significance. Last evaluated: 2022-07-01. Review status: criteria provided, single submitter. Criteria: Invitae Variant Classification Sherloc (09022015). Collection method: clinical testing. Allele origin: germline.
Comment: In summary, the available evidence is currently insufficient to determine the role of this variant in disease. Therefore, it has been classified as a Variant of Uncertain Significance. Algorithms developed to predict the effect of missense changes on protein structure and function are either unavailable or do not agree on the potential impact of this missense change (SIFT: "Deleterious"; PolyPhen-2: "Possibly Damaging"; Align-GVGD: "Class C0"). This variant has not been reported in the literature in individuals affected with PALM-related conditions. This variant is present in population databases (rs375364413, gnomAD 0.02%). This sequence change replaces arginine, which is basic and polar, with glutamine, which is neutral and polar, at codon 270 of the PALM protein (p.Arg270Gln).

Ambry Genetics
Classification: Uncertain significance. Last evaluated: 2022-01-05. Review status: criteria provided, single submitter. Criteria: Ambry Variant Classification Scheme 2023. Collection method: clinical testing. Allele origin: germline.

NM_002579.3(PALM):c.809G>A (p.Arg270Gln)

Gene: PALM (paralemmin; plus strand). Cytogenetic location: 19p13.3.
Variant type: single nucleotide variant.
Coding change: c.809G>A on transcript NM_002579.3 (MANE Select); coding-DNA position 809, G replaced by A.
Protein change: p.Arg270Gln; replaces arginine 270 with glutamine.
Molecular consequence: missense variant.
Genome position (GRCh38, 1-based): chr19:746,459, G>A. VCF-style: chr19-746459-G-A. GRCh37 (hg19) VCF-style: chr19-746459-G-A.
Other names: c.809G>A (NM_002579.2); c.677G>A, p.Arg226Gln (NM_001040134.2); short protein forms R226Q, R270Q.
Identifiers: ClinVar variation 2189989 (VCV002189989.5), dbSNP rs375364413, ClinGen allele CA9022786.